The following is an entry in ClinVar:

ClinVar aggregate classification (germline): Uncertain significance (1 of 4 stars; one submission).

Conditions:
Hereditary cancer-predisposing syndrome. Also called: Hereditary Cancer Syndrome; Hereditary neoplastic syndrome; Tumor predisposition; Neoplastic Syndromes, Hereditary. Identifiers: Orphanet 140162, MedGen C0027672, MeSH D009386, MONDO:0015356.

gnomAD v4.1: 1 of 1,611,590 alleles (0.000062%); highest among the groups gnomAD compares: South Asian, 0.0011%; no homozygotes.

Submission:

Ambry Genetics
Classification: Uncertain significance for Hereditary cancer-predisposing syndrome. Last evaluated: 2024-07-07. Review status: criteria provided, single submitter. Criteria: Ambry Variant Classification Scheme 2023. Collection method: clinical testing. Allele origin: germline.
Comment: The p.H781R variant (also known as c.2342A>G), located in coding exon 17 of the MSH3 gene, results from an A to G substitution at nucleotide position 2342. The histidine at codon 781 is replaced by arginine, an amino acid with highly similar properties. This amino acid position is conserved. In addition, the in silico prediction for this alteration is inconclusive. Since supporting evidence is limited at this time, the clinical significance of this alteration remains unclear.

NM_002439.5(MSH3):c.2342A>G (p.His781Arg)

Gene: MSH3 (mutS homolog 3; plus strand). Cytogenetic location: 5q14.1.
Variant type: single nucleotide variant.
Coding change: c.2342A>G on transcript NM_002439.5 (MANE Select); coding-DNA position 2342, A replaced by G.
Protein change: p.His781Arg; replaces histidine 781 with arginine.
Molecular consequence: missense variant.
Genome position (GRCh38, 1-based): chr5:80,778,743, A>G. VCF-style: chr5-80778743-A-G. GRCh37 (hg19) VCF-style: chr5-80074562-A-G.
Other names: short protein forms H781R.
Identifiers: ClinVar variation 1789883 (VCV001789883.3), dbSNP rs753129920, ClinGen allele CA360281746.